The following is an entry in ClinVar:

NM_005228.5(EGFR):c.2884C>T (p.Arg962Cys)

Gene: EGFR (epidermal growth factor receptor; plus strand). Cytogenetic location: 7p11.2.
Variant type: single nucleotide variant.
Coding change: c.2884C>T on transcript NM_005228.5 (MANE Select); coding-DNA position 2884, C replaced by T.
Protein change: p.Arg962Cys; replaces arginine 962 with cysteine.
Molecular consequence: missense variant.
Genome position (GRCh38, 1-based): chr7:55,200,351, C>T. VCF-style: chr7-55200351-C-T. GRCh37 (hg19) VCF-style: chr7-55268044-C-T.
Other names: c.2749C>T, p.Arg917Cys (NM_001346897.2, NM_001346899.2); c.2884C>T, p.Arg962Cys (NM_001346898.2); c.2725C>T, p.Arg909Cys (NM_001346900.2); c.2083C>T, p.Arg695Cys (NM_001346941.2); c.2884C>T (NM_005228.4); short protein forms R909C, R695C, R962C, R917C.
Identifiers: ClinVar variation 855873 (VCV000855873.12), dbSNP rs17337451, ClinGen allele CA4266199.

ClinVar aggregate classification (germline): Uncertain significance. Review status: criteria provided, multiple submitters, no conflicts (2 of 4 stars). 5 submissions from 5 submitters: Uncertain significance (4). 1 of the submissions does not count toward it. Last evaluated 2026-02-02.

Conditions:
Hereditary cancer-predisposing syndrome. Also called: Neoplastic Syndromes, Hereditary; Tumor predisposition; Hereditary Cancer Syndrome; Hereditary neoplastic syndrome. Identifiers: Orphanet 140162, MedGen C0027672, MeSH D009386, MONDO:0015356.
EGFR-related disorder. Also called: EGFR-related condition.
EGFR-related lung cancer (EGFR). Identifiers: MedGen CN130014.

Allele frequency attached by ClinVar (database versions not stated): TOPMed 0.00006.
gnomAD v4.1: 127 of 1,614,036 alleles (0.0079%); highest among the groups gnomAD compares: South Asian, 0.012%; no homozygotes.

Submissions (5):

Labcorp Genetics (formerly Invitae), Labcorp
Classification: Uncertain significance for EGFR-related lung cancer. Last evaluated: 2026-02-02. Review status: criteria provided, single submitter. Criteria: Invitae Variant Classification Sherloc (09022015). Collection method: clinical testing. Allele origin: germline.
Comment: This sequence change replaces arginine, which is basic and polar, with cysteine, which is neutral and slightly polar, at codon 962 of the EGFR protein (p.Arg962Cys). This variant is present in population databases (rs17337451, gnomAD 0.01%). This variant has not been reported in the literature in individuals affected with EGFR-related conditions. ClinVar contains an entry for this variant (Variation ID: 855873). Invitae Evidence Modeling of protein sequence and biophysical properties (such as structural, functional, and spatial information, amino acid conservation, physicochemical variation, residue mobility, and thermodynamic stability) has been performed for this missense variant. However, the output from this modeling did not meet the statistical confidence thresholds required to predict the impact of this variant on EGFR protein function. In summary, the available evidence is currently insufficient to determine the role of this variant in disease. Therefore, it has been classified as a Variant of Uncertain Significance.

Blueprint Genetics
Classification: Uncertain significance. Last evaluated: 2024-10-15. Review status: criteria provided, single submitter. Criteria: ACMG Guidelines, 2015. Collection method: clinical testing. Allele origin: germline.

Ambry Genetics
Classification: Uncertain significance for Hereditary cancer-predisposing syndrome. Last evaluated: 2024-08-27. Review status: criteria provided, single submitter. Criteria: Ambry Variant Classification Scheme 2023. Collection method: clinical testing. Allele origin: germline.
Comment: The p.R962C variant (also known as c.2884C>T), located in coding exon 24 of the EGFR gene, results from a C to T substitution at nucleotide position 2884. The arginine at codon 962 is replaced by cysteine, an amino acid with highly dissimilar properties. This amino acid position is highly conserved in available vertebrate species. In addition, the in silico prediction for this alteration is inconclusive. Based on the available evidence, the clinical significance of this variant remains unclear.

Sema4
Classification: Uncertain significance for Hereditary cancer-predisposing syndrome. Last evaluated: 2021-08-18. Review status: criteria provided, single submitter. Criteria: Sema4 Curation Guidelines. Collection method: curation. Allele origin: germline.
Comment: The EGFR c.2884C>T (p.R962C) variant has been reported in heterozygosity in at least one family with prostate cancer (PMID: 25111073). This variant was observed in 18/129182 chromosomes in the Non-Finnish European population according to the Genome Aggregation Database (PMID: 32461654). This variant has been reported in ClinVar (Variation ID 855873). Functional studies have not been performed, and in silico predictions of the variant's effect on protein function are inconclusive. The evidence is insufficient to meet ACMG/AMP criteria for classifying the variant as benign or pathogenic. Thus, the clinical significance of this variant is currently uncertain.

PreventionGenetics, part of Exact Sciences
Classification: Uncertain significance for EGFR-related condition. Last evaluated: 2024-07-26. Review status: no assertion criteria provided. Collection method: clinical testing. Allele origin: germline. Not counted in ClinVar's aggregate classification.
Comment: The EGFR c.2884C>T variant is predicted to result in the amino acid substitution p.Arg962Cys. This variant was reported in several individuals with kidney cancer in childhood or prostate cancer (Kim et al. 2021. PubMed ID: 34308104; Johnson AM et al. 2014. PubMed ID: 25111073). This variant is reported in 0.014% of alleles in individuals of European (Non-Finnish) descent in gnomAD. This variant is interpreted as uncertain significance in ClinVar. At this time, the clinical significance of this variant is uncertain due to the absence of conclusive functional and genetic evidence.

Literature cited by the submitters: PubMed 25111073 (cited by Sema4).